The following is an entry in ClinVar:

ClinVar aggregate classification (germline): Likely benign (0 of 4 stars; one submission).

Conditions:
RFWD3-related disorder. Also called: RFWD3-related condition.

gnomAD v4.1: 2 of 1,614,086 alleles (0.00012%); highest among the groups gnomAD compares: South Asian, 0.0011%; no homozygotes.

Submission:

PreventionGenetics, part of Exact Sciences
Classification: Likely benign for RFWD3-related condition. Last evaluated: 2021-06-30. Review status: no assertion criteria provided. Collection method: clinical testing. Allele origin: germline.
Comment: This variant is classified as likely benign based on ACMG/AMP sequence variant interpretation guidelines (Richards et al. 2015 PMID: 25741868, with internal and published modifications).

NM_018124.4(RFWD3):c.1942C>A (p.Arg648=)

Gene: RFWD3 (ring finger and WD repeat domain 3; minus strand). Cytogenetic location: 16q23.1.
Variant type: single nucleotide variant.
Coding change: c.1942C>A on transcript NM_018124.4 (MANE Select); coding-DNA position 1942, C replaced by A.
Protein change: p.Arg648=; no amino-acid change (arginine 648 retained).
Molecular consequence: synonymous variant.
Genome position (GRCh38, 1-based): chr16:74,628,479, G>T on the plus strand (C>A on the coding strand, the complement: RFWD3 is on the minus strand). VCF-style: chr16-74628479-G-T. GRCh37 (hg19) VCF-style: chr16-74662377-G-T.
Other names: c.1942C>A, p.Arg648= (NM_001370534.1, NM_001370535.1); c.1765C>A, p.Arg589= (NM_001370536.1); c.1108C>A, p.Arg370= (NM_001370537.1, NM_001370539.1, NM_001370540.1 and 3 more transcripts).
Identifiers: ClinVar variation 3029390 (VCV003029390.2), dbSNP rs755874703, ClinGen allele CA496537812.